The following is an entry in ClinVar:

ClinVar aggregate classification (germline): Benign (0 of 4 stars; one submission).

Conditions:
NIPAL3-related disorder. Also called: NIPAL3-related condition.

Allele frequency attached by ClinVar (database versions not stated): gnomAD exomes 0.00027; ExAC 0.00081; ESP Exome Variant Server 0.00261; gnomAD 0.00273; 1000 Genomes Project 30x 0.00344; 1000 Genomes Project 0.00359.
gnomAD v4.1: 827 of 1,613,814 alleles (0.051%); highest among the groups gnomAD compares: African/African-American, 0.94%; 6 homozygotes.

Submission:

PreventionGenetics, part of Exact Sciences
Classification: Benign for NIPAL3-related condition. Last evaluated: 2019-12-02. Review status: no assertion criteria provided. Collection method: clinical testing. Allele origin: germline.
Comment: This variant is classified as benign based on ACMG/AMP sequence variant interpretation guidelines (Richards et al. 2015 PMID: 25741868, with internal and published modifications).

NM_020448.5(NIPAL3):c.1022-4T>A

Gene: NIPAL3 (NIPA like domain containing 3; plus strand). Cytogenetic location: 1p36.11.
Variant type: single nucleotide variant.
Coding change: c.1022-4T>A on transcript NM_020448.5 (MANE Select); 4 bases into the intron before coding-DNA position 1022, T replaced by A.
Molecular consequence: intron variant.
Genome position (GRCh38, 1-based): chr1:24,468,982, T>A. VCF-style: chr1-24468982-T-A. GRCh37 (hg19) VCF-style: chr1-24795472-T-A.
Other names: c.1022-4T>A (NM_001322854.2, NM_001322855.2, NM_001322856.2 and 1 more transcripts); c.776-4T>A (NM_001322862.2, NM_001322863.2); c.539-4T>A (NM_001322858.2, NM_001322859.2, NM_001322860.2 and 1 more transcripts); c.869-4T>A (NM_001322868.2); c.995-4T>A (NM_001322866.2); c.1019-4T>A (NM_001322864.2).
Identifiers: ClinVar variation 3037941 (VCV003037941.2), dbSNP rs150020630, ClinGen allele CA691285.